The following is an entry in ClinVar:

NM_006506.5(RASA2):c.2428A>G (p.Ile810Val)

Gene: RASA2 (RAS p21 protein activator 2; plus strand). Cytogenetic location: 3q23.
Variant type: single nucleotide variant.
Coding change: c.2428A>G on transcript NM_006506.5 (MANE Select); coding-DNA position 2428, A replaced by G.
Protein change: p.Ile810Val; replaces isoleucine 810 with valine.
Molecular consequence: missense variant.
Genome position (GRCh38, 1-based): chr3:141,609,975, A>G. VCF-style: chr3-141609975-A-G. GRCh37 (hg19) VCF-style: chr3-141328817-A-G.
Other names: c.2428A>G (NM_006506.2); c.2431A>G, p.Ile811Val (NM_001303245.3); c.2440A>G, p.Ile814Val (NM_001303246.3); short protein forms I811V, I814V, I810V.
Identifiers: ClinVar variation 1956303 (VCV001956303.6), dbSNP rs747261993, ClinGen allele CA2645841.

ClinVar aggregate classification (germline): Uncertain significance. Review status: criteria provided, multiple submitters, no conflicts (2 of 4 stars). 2 submissions from 2 submitters: Uncertain significance (2). Last evaluated 2024-06-09.

Allele frequency attached by ClinVar (database versions not stated): gnomAD exomes below 0.00001; TOPMed below 0.00001; ExAC 0.00001; gnomAD 0.00001.
gnomAD v4.1: 4 of 1,605,942 alleles (0.00025%); highest among the groups gnomAD compares: East Asian, 0.0023%; no homozygotes.

Submissions (2):

Ambry Genetics
Classification: Uncertain significance. Last evaluated: 2024-06-09. Review status: criteria provided, single submitter. Criteria: Ambry Variant Classification Scheme 2023. Collection method: clinical testing. Allele origin: germline.
Comment: The p.I810V variant (also known as c.2428A>G), located in coding exon 23 of the RASA2 gene, results from an A to G substitution at nucleotide position 2428. The isoleucine at codon 810 is replaced by valine, an amino acid with highly similar properties. This amino acid position is conserved. In addition, this alteration is predicted to be tolerated by in silico analysis. Based on the available evidence, the clinical significance of this variant remains unclear.

Labcorp Genetics (formerly Invitae), Labcorp
Classification: Uncertain significance. Last evaluated: 2022-09-23. Review status: criteria provided, single submitter. Criteria: Invitae Variant Classification Sherloc (09022015). Collection method: clinical testing. Allele origin: germline.
Comment: This sequence change replaces isoleucine, which is neutral and non-polar, with valine, which is neutral and non-polar, at codon 810 of the RASA2 protein (p.Ile810Val). This variant is present in population databases (rs747261993, gnomAD 0.003%). This variant has not been reported in the literature in individuals affected with RASA2-related conditions. Advanced modeling of protein sequence and biophysical properties (such as structural, functional, and spatial information, amino acid conservation, physicochemical variation, residue mobility, and thermodynamic stability) performed at Invitae indicates that this missense variant is not expected to disrupt RASA2 protein function. In summary, the available evidence is currently insufficient to determine the role of this variant in disease. Therefore, it has been classified as a Variant of Uncertain Significance.